The following is an entry in ClinVar:

NM_000416.3(IFNGR1):c.505A>G (p.Ile169Val)

Gene: IFNGR1 (interferon gamma receptor 1; minus strand). Cytogenetic location: 6q23.3.
Variant type: single nucleotide variant.
Coding change: c.505A>G on transcript NM_000416.3 (MANE Select); coding-DNA position 505, A replaced by G.
Protein change: p.Ile169Val; replaces isoleucine 169 with valine.
Molecular consequence: missense variant.
Genome position (GRCh38, 1-based): chr6:137,204,373, T>C on the plus strand (A>G on the coding strand, the complement: IFNGR1 is on the minus strand). VCF-style: chr6-137204373-T-C. GRCh37 (hg19) VCF-style: chr6-137525510-T-C.
Other names: c.475A>G, p.Ile159Val (NM_001363526.1); c.382A>G, p.Ile128Val (NM_001363527.1); short protein forms I128V, I169V, I159V.
Identifiers: ClinVar variation 4745080 (VCV004745080.1).
Genomic context (GRCh38, chr6:137,204,373, plus strand): 5'-AAAAATGTGAAACACATACCTCACTTCCGTTCATTCTCACATACACATTGTACACCCTAA[T>C]GTAACAGGTAGTTTCGGGATCATAATCGACTTCCTGCTCGTCTCCATTTACAAAAACTGA-3'
Protein context (NP_000407.1, residues 159-179): VDYDPETTCY[Ile169Val]RVYNVYVRMN

ClinVar aggregate classification (germline): Uncertain significance (1 of 4 stars; one submission).

Conditions:
Disseminated atypical mycobacterial infection. Identifiers: MedGen C0694566.

Submission:

Labcorp Genetics (formerly Invitae), Labcorp
Classification: Uncertain significance for Disseminated atypical mycobacterial infection. Last evaluated: 2026-01-12. Review status: criteria provided, single submitter. Criteria: Invitae Variant Classification Sherloc (09022015). Collection method: clinical testing. Allele origin: germline.
Comment: This sequence change replaces isoleucine, which is neutral and non-polar, with valine, which is neutral and non-polar, at codon 169 of the IFNGR1 protein (p.Ile169Val). This variant is not present in population databases (gnomAD no frequency). This variant has not been reported in the literature in individuals affected with IFNGR1-related conditions. Invitae Evidence Modeling of protein sequence and biophysical properties (such as structural, functional, and spatial information, amino acid conservation, physicochemical variation, residue mobility, and thermodynamic stability) indicates that this missense variant is not expected to disrupt IFNGR1 protein function with a negative predictive value of 80%. In summary, the available evidence is currently insufficient to determine the role of this variant in disease. Therefore, it has been classified as a Variant of Uncertain Significance.